The following is an entry in ClinVar:

NC_000002.11:g.(?_48010373)_(48032176_?)del

Gene: MSH6 (mutS homolog 6; plus strand). Cytogenetic location: 2p16.3.
Variant type: Deletion.
Identifiers: ClinVar variation 1074421 (VCV001074421.2).

ClinVar aggregate classification (germline): Pathogenic (1 of 4 stars; one submission).

Conditions:
Hereditary nonpolyposis colorectal neoplasms. Identifiers: MedGen C0009405, MeSH D003123.

Submission:

Labcorp Genetics (formerly Invitae), Labcorp
Classification: Pathogenic for Hereditary nonpolyposis colorectal neoplasms. Last evaluated: 2021-08-12. Review status: criteria provided, single submitter. Criteria: Invitae Variant Classification Sherloc (09022015). Collection method: clinical testing. Allele origin: germline.
Comment: This variant is a gross deletion of the genomic region encompassing exons 1-6 of the MSH6 gene, which includes the initiator codon. The 5' end of this event is unknown as it extends beyond the assayed region for this gene and therefore may encompass additional genes. The 3' boundary is likely confined to intron 6 of the MSH6 gene. This is expected to result in an absent or disrupted protein product. This variant has not been reported in the literature in individuals with MSH6-related disease. Loss-of-function variants in MSH6 are known to be pathogenic (PMID: 24362816,¬†18269114). For these reasons, this variant has been classified as Pathogenic.

Literature cited by the submitters: PubMed 24362816.